The following is an entry in ClinVar:

ClinVar aggregate classification (germline): Uncertain significance. Review status: criteria provided, multiple submitters, no conflicts (2 of 4 stars). 2 submissions from 2 submitters: Uncertain significance (2). Last evaluated 2026-03-20.

Allele frequency attached by ClinVar (database versions not stated): gnomAD exomes below 0.00001.
gnomAD v4.1: 1 of 1,609,832 alleles (0.000062%); highest among the groups gnomAD compares: Admixed American, 0.0017%; no homozygotes.

Submissions (2):

GeneDx
Classification: Uncertain significance. Last evaluated: 2026-03-20. Review status: criteria provided, single submitter. Criteria: GeneDx Variant Classification Process June 2021. Collection method: clinical testing. Allele origin: germline.
Comment: In silico analysis suggests that this missense variant does not alter protein structure/function; Has not been previously published as pathogenic or benign to our knowledge

Labcorp Genetics (formerly Invitae), Labcorp
Classification: Uncertain significance. Last evaluated: 2024-01-24. Review status: criteria provided, single submitter. Criteria: Invitae Variant Classification Sherloc (09022015). Collection method: clinical testing. Allele origin: germline.
Comment: This sequence change replaces glycine, which is neutral and non-polar, with tryptophan, which is neutral and slightly polar, at codon 219 of the CNNM2 protein (p.Gly219Trp). The frequency data for this variant in the population databases is considered unreliable, as metrics indicate poor data quality at this position in the gnomAD database. This variant has not been reported in the literature in individuals affected with CNNM2-related conditions. ClinVar contains an entry for this variant (Variation ID: 2114484). An algorithm developed to predict the effect of missense changes on protein structure and function (PolyPhen-2) suggests that this variant is likely to be disruptive. In summary, the available evidence is currently insufficient to determine the role of this variant in disease. Therefore, it has been classified as a Variant of Uncertain Significance.

NM_017649.5(CNNM2):c.655G>T (p.Gly219Trp)

Gene: CNNM2 (cyclin and CBS domain divalent metal cation transport mediator 2; plus strand). Cytogenetic location: 10q24.32.
Variant type: single nucleotide variant.
Coding change: c.655G>T on transcript NM_017649.5 (MANE Select); coding-DNA position 655, G replaced by T.
Protein change: p.Gly219Trp; replaces glycine 219 with tryptophan.
Molecular consequence: missense variant.
Genome position (GRCh38, 1-based): chr10:102,919,135, G>T. VCF-style: chr10-102919135-G-T. GRCh37 (hg19) VCF-style: chr10-104678892-G-T.
Other names: c.655G>T (NM_017649.4); c.655G>T, p.Gly219Trp (NM_199076.3, NM_199077.3); short protein forms G219W.
Identifiers: ClinVar variation 2114484 (VCV002114484.5), dbSNP rs1274273622, ClinGen allele CA377957088.